The following is an entry in ClinVar:

ClinVar aggregate classification (germline): Likely benign. Review status: criteria provided, multiple submitters, no conflicts (2 of 4 stars). 3 submissions from 3 submitters: Likely benign (3). Last evaluated 2026-06-08.

Conditions:
Ullrich congenital muscular dystrophy 2 (UCMD2). Identifiers: Orphanet 75840, MedGen C4225314, MONDO:0014654, OMIM 616470.
Bethlem myopathy 2 (BTHLM2). Identifiers: Orphanet 536516, Orphanet 610, MedGen C4225313, MONDO:0034022, OMIM 616471.

Allele frequency attached by ClinVar (database versions not stated): TOPMed 0.00004; 1000 Genomes Project 30x 0.00016.
gnomAD v4.1: 101 of 1,612,862 alleles (0.0063%); highest among the groups gnomAD compares: South Asian, 0.026%; 2 homozygotes.

Submissions (3):

Women's Health and Genetics/Laboratory Corporation of America, LabCorp
Classification: Likely benign. Last evaluated: 2026-06-08. Review status: criteria provided, single submitter. Criteria: LabCorp Variant Classification Summary - May 2015. Collection method: clinical testing. Allele origin: germline.

Mayo Clinic Laboratories, Mayo Clinic
Classification: Likely benign. Last evaluated: 2025-04-29. Review status: criteria provided, single submitter. Criteria: ACMG Guidelines, 2015. Collection method: clinical testing. Allele origin: germline. Observed: 2 variant alleles.
Comment: BS1, BP4, BP7

Labcorp Genetics (formerly Invitae), Labcorp
Classification: Likely benign for Bethlem myopathy 2; Ullrich congenital muscular dystrophy 2. Last evaluated: 2025-03-04. Review status: criteria provided, single submitter. Criteria: Invitae Variant Classification Sherloc (09022015). Collection method: clinical testing. Allele origin: germline.

NM_004370.6(COL12A1):c.4958-7A>G

Gene: COL12A1 (collagen type XII alpha 1 chain; minus strand). Cytogenetic location: 6q13.
Variant type: single nucleotide variant.
Coding change: c.4958-7A>G on transcript NM_004370.6 (MANE Select); 7 bases into the intron before coding-DNA position 4958, A replaced by G.
Molecular consequence: intron variant.
Genome position (GRCh38, 1-based): chr6:75,138,968, T>C on the plus strand (A>G on the coding strand, the complement: COL12A1 is on the minus strand). VCF-style: chr6-75138968-T-C. GRCh37 (hg19) VCF-style: chr6-75848684-T-C.
Other names: p.?; c.1466-7A>G (NM_080645.3).
Identifiers: ClinVar variation 705761 (VCV000705761.11), dbSNP rs1332779, ClinGen allele CA3893290.
Genomic context (GRCh38, chr6:75,138,968, plus strand): 5'-AACCCTCTGATGTTACTTCAGTAATCTTTAAGTTTGTTGGGGCTGGCACGGGTCCTATCA[T>C]GAGAAAAGGCAAGCAGACTAAGTTTTTGAATGTGAGCTGCAAATGCAATTTAATATAATA-3'